The following is an entry in ClinVar:

NM_152309.3(PIK3AP1):c.2320G>A (p.Glu774Lys)

Gene: PIK3AP1 (phosphoinositide-3-kinase adaptor protein 1; minus strand). Cytogenetic location: 10q24.1.
Variant type: single nucleotide variant.
Coding change: c.2320G>A on transcript NM_152309.3 (MANE Select); coding-DNA position 2320, G replaced by A.
Protein change: p.Glu774Lys; replaces glutamic acid 774 with lysine.
Molecular consequence: missense variant.
Genome position (GRCh38, 1-based): chr10:96,602,320, C>T on the plus strand (G>A on the coding strand, the complement: PIK3AP1 is on the minus strand). VCF-style: chr10-96602320-C-T. GRCh37 (hg19) VCF-style: chr10-98362077-C-T.
Other names: short protein forms E774K.
Identifiers: ClinVar variation 3668961 (VCV003668961.2).

ClinVar aggregate classification (germline): Uncertain significance (1 of 4 stars; one submission).

Conditions:
Infantile spasms. Also called: Infantile spasm. Identifiers: MedGen C3887898, HP:0012469.

gnomAD v4.1: 12 of 1,609,602 alleles (0.00075%); highest among the groups gnomAD compares: South Asian, 0.0033%; no homozygotes.

Submission:

Labcorp Genetics (formerly Invitae), Labcorp
Classification: Uncertain significance for Infantile spasms. Last evaluated: 2024-05-02. Review status: criteria provided, single submitter. Criteria: Invitae Variant Classification Sherloc (09022015). Collection method: clinical testing. Allele origin: germline.
Comment: This sequence change replaces glutamic acid, which is acidic and polar, with lysine, which is basic and polar, at codon 774 of the PIK3AP1 protein (p.Glu774Lys). This variant is present in population databases (no rsID available, gnomAD 0.003%). This variant has not been reported in the literature in individuals affected with PIK3AP1-related conditions. An algorithm developed to predict the effect of missense changes on protein structure and function (PolyPhen-2) suggests that this variant is likely to be tolerated. In summary, the available evidence is currently insufficient to determine the role of this variant in disease. Therefore, it has been classified as a Variant of Uncertain Significance.